The following is an entry in ClinVar:

NM_152618.3(BBS12):c.1130A>C (p.Asn377Thr)

Gene: BBS12 (Bardet-Biedl syndrome 12; plus strand). Cytogenetic location: 4q27.
Variant type: single nucleotide variant.
Coding change: c.1130A>C on transcript NM_152618.3 (MANE Select); coding-DNA position 1130, A replaced by C.
Protein change: p.Asn377Thr; replaces asparagine 377 with threonine.
Molecular consequence: missense variant.
Genome position (GRCh38, 1-based): chr4:122,743,022, A>C. VCF-style: chr4-122743022-A-C. GRCh37 (hg19) VCF-style: chr4-123664177-A-C.
Other names: c.1130A>C, p.Asn377Thr (NM_001178007.2); short protein forms N377T.
Identifiers: ClinVar variation 4989340 (VCV004989340.1).

ClinVar aggregate classification (germline): Uncertain significance (1 of 4 stars; one submission).

Conditions:
BBS12-related disorder. Also called: BBS12-related condition.

gnomAD v4.1: 41 of 1,614,148 alleles (0.0025%); highest among the groups gnomAD compares: Non-Finnish European, 0.0034%; no homozygotes.

Submission:

PreventionGenetics, part of Exact Sciences
Classification: Uncertain significance for BBS12-related condition. Last evaluated: 2025-01-02. Review status: criteria provided, single submitter. Criteria: ACMG Guidelines, 2015. Collection method: clinical testing. Allele origin: germline.
Comment: The BBS12 c.1130A>C variant is predicted to result in the amino acid substitution p.Asn377Thr. To our knowledge, this variant has not been reported in the literature. This variant is reported in 0.0018% of alleles in individuals of European (Non-Finnish) descent in gnomAD. At this time, the clinical significance of this variant is uncertain due to the absence of conclusive functional and genetic evidence.